The following is an entry in ClinVar:

NM_001013838.3(CARMIL2):c.1911G>A (p.Ser637=)

Gene: CARMIL2 (capping protein regulator and myosin 1 linker 2; plus strand). Cytogenetic location: 16q22.1.
Variant type: single nucleotide variant.
Coding change: c.1911G>A on transcript NM_001013838.3 (MANE Select); coding-DNA position 1911, G replaced by A.
Protein change: p.Ser637=; no amino-acid change (serine 637 retained).
Molecular consequence: synonymous variant.
Genome position (GRCh38, 1-based): chr16:67,649,611, G>A. VCF-style: chr16-67649611-G-A. GRCh37 (hg19) VCF-style: chr16-67683514-G-A.
Other names: c.1803G>A, p.Ser601= (NM_001317026.3).
Identifiers: ClinVar variation 2646632 (VCV002646632.26), dbSNP rs745455447, ClinGen allele CA495997032.

ClinVar aggregate classification (germline): Likely benign. Review status: criteria provided, multiple submitters, no conflicts (2 of 4 stars). 2 submissions from 2 submitters: Likely benign (2). Last evaluated 2025-03-18.

Allele frequency attached by ClinVar (database versions not stated): gnomAD 0.00001.
gnomAD v4.1: 11 of 1,595,648 alleles (0.00069%); highest among the groups gnomAD compares: Non-Finnish European, 0.00093%; no homozygotes.

Submissions (2):

Labcorp Genetics (formerly Invitae), Labcorp
Classification: Likely benign. Last evaluated: 2025-03-18. Review status: criteria provided, single submitter. Criteria: Invitae Variant Classification Sherloc (09022015). Collection method: clinical testing. Allele origin: germline.

CeGaT Center for Human Genetics Tuebingen
Classification: Likely benign. Last evaluated: 2022-05-01. Review status: criteria provided, single submitter. Criteria: CeGaT Center For Human Genetics Tuebingen Variant Classification Criteria Version 2. Collection method: clinical testing. Allele origin: germline. Affected: yes. Observed: 1 variant allele.
Comment: CARMIL2: BP4, BP7